The following is an entry in ClinVar:

NM_001111.5(ADAR):c.3331A>G (p.Ile1111Val)

Gene: ADAR (adenosine deaminase RNA specific; minus strand). Cytogenetic location: 1q21.3.
Variant type: single nucleotide variant.
Coding change: c.3331A>G on transcript NM_001111.5 (MANE Select); coding-DNA position 3331, A replaced by G.
Protein change: p.Ile1111Val; replaces isoleucine 1111 with valine.
Molecular consequence: missense variant.
Genome position (GRCh38, 1-based): chr1:154,585,329, T>C on the plus strand (A>G on the coding strand, the complement: ADAR is on the minus strand). VCF-style: chr1-154585329-T-C. GRCh37 (hg19) VCF-style: chr1-154557805-T-C.
Other names: c.3358A>G, p.Ile1120Val (NM_001365045.1); c.2446A>G, p.Ile816Val (NM_001365046.1, NM_001365047.1, NM_001365048.1 and 2 more transcripts); c.2368A>G, p.Ile790Val (NM_001365049.1); c.3253A>G, p.Ile1085Val (NM_015840.4); c.3196A>G, p.Ile1066Val (NM_015841.4); c.3331A>G (NM_001111.4); short protein forms I1066V, I1085V, I1111V, I1120V, I790V, I816V.
Identifiers: ClinVar variation 1011218 (VCV001011218.9), dbSNP rs536100209, ClinGen allele CA30848900.

ClinVar aggregate classification (germline): Conflicting classifications of pathogenicity. Review status: criteria provided, conflicting classifications (1 of 4 stars). 2 submissions from 2 submitters: Uncertain significance (1); Likely benign (1). Last evaluated 2025-04-15.

Conditions:
Inborn genetic diseases. Identifiers: MedGen C0950123, MeSH D030342.
Aicardi-Goutieres syndrome 6 (AGS6). Identifiers: Orphanet 51, MedGen C3539013, MONDO:0014007, OMIM 615010.
Symmetrical dyschromatosis of extremities (DSH). Also called: RETICULATE ACROPIGMENTATION OF DOHI; SYMMETRIC DYSCHROMATOSIS OF THE EXTREMITIES; Dyschromatosis symmetrica hereditaria; DYSCHROMATOSIS SYMMETRICA HEREDITARIA 1. Identifiers: Orphanet 41, MedGen C0406775, MONDO:0007483, OMIM 127400.

Allele frequency attached by ClinVar (database versions not stated): gnomAD exomes below 0.00001.
gnomAD v4.1: 4 of 1,614,152 alleles (0.00025%); highest among the groups gnomAD compares: Non-Finnish European, 0.00034%; no homozygotes.

Submissions (2):

Ambry Genetics
Classification: Likely benign for Inborn genetic diseases. Last evaluated: 2025-04-15. Review status: criteria provided, single submitter. Criteria: Ambry Variant Classification Scheme 2023. Collection method: clinical testing. Allele origin: germline.

Labcorp Genetics (formerly Invitae), Labcorp
Classification: Uncertain significance for Aicardi-Goutieres syndrome 6; Symmetrical dyschromatosis of extremities. Last evaluated: 2018-06-30. Review status: criteria provided, single submitter. Criteria: Invitae Variant Classification Sherloc (09022015). Collection method: clinical testing. Allele origin: germline.
Comment: This variant is not present in population databases (ExAC no frequency). This sequence change replaces isoleucine with valine at codon 1111 of the ADAR protein (p.Ile1111Val). The isoleucine residue is weakly conserved and there is a small physicochemical difference between isoleucine and valine. This variant has not been reported in the literature in individuals with ADAR-related disease. Algorithms developed to predict the effect of missense changes on protein structure and function output the following: SIFT: "Tolerated"; PolyPhen-2: "Benign"; Align-GVGD: "Class C0". The valine amino acid residue is found in multiple mammalian species, suggesting that this missense change does not adversely affect protein function. These predictions have not been confirmed by published functional studies and their clinical significance is uncertain. In summary, the available evidence is currently insufficient to determine the role of this variant in disease. Therefore, it has been classified as a Variant of Uncertain Significance.